The following is an entry in ClinVar:

ClinVar aggregate classification (germline): Uncertain significance (1 of 4 stars; one submission).

Conditions:
Nephronophthisis 18 (NPHP18). Identifiers: Orphanet 655, MedGen C3890591, MONDO:0014374, OMIM 615862.

Submission:

Labcorp Genetics (formerly Invitae), Labcorp
Classification: Uncertain significance for Nephronophthisis 18. Last evaluated: 2022-05-11. Review status: criteria provided, single submitter. Criteria: Invitae Variant Classification Sherloc (09022015). Collection method: clinical testing. Allele origin: germline.
Comment: In summary, the available evidence is currently insufficient to determine the role of this variant in disease. Therefore, it has been classified as a Variant of Uncertain Significance. Algorithms developed to predict the effect of missense changes on protein structure and function output the following: SIFT: "Not Available"; PolyPhen-2: "Benign"; Align-GVGD: "Not Available". The asparagine amino acid residue is found in multiple mammalian species, which suggests that this missense change does not adversely affect protein function. This variant has not been reported in the literature in individuals affected with CEP83-related conditions. This variant is not present in population databases (gnomAD no frequency). This sequence change replaces histidine, which is basic and polar, with asparagine, which is neutral and polar, at codon 415 of the CEP83 protein (p.His415Asn).

NM_016122.3(CEP83):c.1243C>A (p.His415Asn)

Gene: CEP83 (centrosomal protein 83; minus strand). Cytogenetic location: 12q22.
Variant type: single nucleotide variant.
Coding change: c.1243C>A on transcript NM_016122.3 (MANE Select); coding-DNA position 1243, C replaced by A.
Protein change: p.His415Asn; replaces histidine 415 with asparagine.
Molecular consequence: missense variant. On other transcripts: non-coding transcript variant (1).
Genome position (GRCh38, 1-based): chr12:94,367,894, G>T on the plus strand (C>A on the coding strand, the complement: CEP83 is on the minus strand). VCF-style: chr12-94367894-G-T. GRCh37 (hg19) VCF-style: chr12-94761670-G-T.
Other names: c.1243C>A, p.His415Asn (NM_001042399.2, NM_001346457.2, NM_001368037.1 and 1 more transcripts); c.931C>A, p.His311Asn (NM_001346458.2, NM_001346459.2, NM_001368039.1 and 1 more transcripts); c.1018C>A, p.His340Asn (NM_001368041.1); short protein forms H415N, H311N, H340N.
Identifiers: ClinVar variation 1959916 (VCV001959916.5), dbSNP rs752099250, ClinGen allele CA386145519.